The following is an entry in ClinVar:

NM_000212.3(ITGB3):c.2224A>T (p.Lys742Ter)

Genes: EFCAB13-DT (EFCAB13 divergent transcript; minus strand), ITGB3 (integrin subunit beta 3; plus strand). Cytogenetic location: 17q21.32.
Variant type: single nucleotide variant.
Coding change: c.2224A>T on transcript NM_000212.3 (MANE Select); coding-DNA position 2224, A replaced by T.
Protein change: p.Lys742Ter; replaces lysine 742 with a stop codon.
Molecular consequence: nonsense.
Genome position (GRCh38, 1-based): chr17:47,307,560, A>T. VCF-style: chr17-47307560-A-T. GRCh37 (hg19) VCF-style: chr17-45384926-A-T.
Other names: short protein forms K742*.
Identifiers: ClinVar variation 3689659 (VCV003689659.3).

ClinVar aggregate classification (germline): Pathogenic/Likely pathogenic. Review status: criteria provided, multiple submitters, no conflicts (2 of 4 stars). 2 submissions from 2 submitters: Pathogenic (1); Likely pathogenic (1). Last evaluated 2024-08-09.

Conditions:
ITGB3-related disorders.

gnomAD v4.1: 1 of 1,614,162 alleles (0.000062%); highest among the groups gnomAD compares: Non-Finnish European, 0.000085%; no homozygotes.

Submissions (2):

Labcorp Genetics (formerly Invitae), Labcorp
Classification: Pathogenic. Last evaluated: 2024-08-09. Review status: criteria provided, single submitter. Criteria: Invitae Variant Classification Sherloc (09022015). Collection method: clinical testing. Allele origin: germline.
Comment: This sequence change creates a premature translational stop signal (p.Lys742*) in the ITGB3 gene. It is expected to result in an absent or disrupted protein product. Loss-of-function variants in ITGB3 are known to be pathogenic (PMID: 21917754). This variant is not present in population databases (gnomAD no frequency). This variant has not been reported in the literature in individuals affected with ITGB3-related conditions. For these reasons, this variant has been classified as Pathogenic.

Blueprint Genetics
Classification: Likely pathogenic for ITGB3-related disorders. Last evaluated: 2022-03-14. Review status: criteria provided, single submitter. Criteria: ACMG Guidelines, 2015. Collection method: clinical testing. Allele origin: germline. Affected: yes. Observed: 1 variant allele.

Literature cited by the submitters: PubMed 21917754 (cited by Labcorp Genetics (formerly Invitae), Labcorp).